The following is an entry in ClinVar:

NM_147127.5(EVC2):c.870+1G>A

Gene: EVC2 (EvC ciliary complex subunit 2; minus strand). Cytogenetic location: 4p16.2.
Variant type: single nucleotide variant.
Coding change: c.870+1G>A on transcript NM_147127.5 (MANE Select); the canonical splice donor site of the intron after coding-DNA position 870, G replaced by A.
Molecular consequence: splice donor variant.
Genome position (GRCh38, 1-based): chr4:5,681,259, C>T on the plus strand (G>A on the coding strand, the complement: EVC2 is on the minus strand). VCF-style: chr4-5681259-C-T. GRCh37 (hg19) VCF-style: chr4-5682986-C-T.
Other names: c.630+1G>A (NM_001166136.2).
Identifiers: ClinVar variation 1478981 (VCV001478981.7), dbSNP rs2151724043, ClinGen allele CA356145713.

ClinVar aggregate classification (germline): Likely pathogenic (1 of 4 stars; one submission).

Conditions:
Ellis-van Creveld syndrome (EVC). Also called: EVC-Related Ellis-van Creveld Syndrome; EVC2-Related Ellis-van Creveld Syndrome; MESOECTODERMAL DYSPLASIA; Chondroectodermal dysplasia. Identifiers: Orphanet 289, MedGen C0013903, MONDO:0009162, OMIM 225500.
Curry-Hall syndrome (WAD). Also called: WEYERS ACRODENTAL DYSOSTOSIS. Identifiers: Orphanet 952, MedGen C0457013, MONDO:0008673, OMIM 193530.

gnomAD v4.1: 1 of 1,614,246 alleles (0.000062%); highest among the groups gnomAD compares: Non-Finnish European, 0.000085%; no homozygotes.

Submission:

Labcorp Genetics (formerly Invitae), Labcorp
Classification: Likely pathogenic for Curry-Hall syndrome; Ellis-van Creveld syndrome. Last evaluated: 2021-07-21. Review status: criteria provided, single submitter. Criteria: Invitae Variant Classification Sherloc (09022015). Collection method: clinical testing. Allele origin: germline.
Comment: In summary, the currently available evidence indicates that the variant is pathogenic, but additional data are needed to prove that conclusively. Therefore, this variant has been classified as Likely Pathogenic. Algorithms developed to predict the effect of sequence changes on RNA splicing suggest that this variant may disrupt the consensus splice site. This variant has not been reported in the literature in individuals affected with EVC2-related conditions. This variant is not present in population databases (ExAC no frequency). This sequence change affects a donor splice site in intron 7 of the EVC2 gene. It is expected to disrupt RNA splicing. Variants that disrupt the donor or acceptor splice site typically lead to a loss of protein function (PMID: 16199547), and loss-of-function variants in EVC2 are known to be pathogenic (PMID: 17024374, 19810119, 19876929).

Literature cited by the submitters: PubMed 16199547; PubMed 17024374; PubMed 19810119; PubMed 19876929.